The following is an entry in ClinVar:

ClinVar aggregate classification (germline): Pathogenic (1 of 4 stars; one submission).

Conditions:
Phenylketonuria (PKU). Also called: FOLLING DISEASE; OLIGOPHRENIA PHENYLPYRUVICA; Phenylketonurias; Phenylketonuria (PKU). Identifiers: Orphanet 716, MedGen C0031485, MONDO:0009861, OMIM 261600. Disease mechanism: loss of function.

Submission:

Labcorp Genetics (formerly Invitae), Labcorp
Classification: Pathogenic for Phenylketonuria. Last evaluated: 2023-06-16. Review status: criteria provided, single submitter. Criteria: Invitae Variant Classification Sherloc (09022015). Collection method: clinical testing. Allele origin: unknown.
Comment: For these reasons, this variant has been classified as Pathogenic. Isolated whole-gene deletions of PAH have not been reported in the literature. However, larger copy number events that include this gene have been reported (PMID: 11434725). A gross deletion of the genomic region encompassing the full coding sequence of the PAH gene has been identified. Loss-of-function variants in PAH are known to be pathogenic (PMID: 1301187, 9634518). The boundaries of this event are unknown as they extend beyond the assayed region for this gene and therefore may encompass additional genes.

Literature cited by the submitters: PubMed 11434725; PubMed 1301187; PubMed 9634518.

NC_000012.11:g.(?_103232953)_(103352733_?)del

Genes: ASCL1 (achaete-scute family bHLH transcription factor 1; plus strand), PAH (phenylalanine hydroxylase; minus strand). Cytogenetic location: 12q23.2.
Variant type: Deletion.
Identifiers: ClinVar variation 3244235 (VCV003244235.1).